The following is an entry in ClinVar:

NM_144991.3(TSPEAR):c.1856+13C>T

Gene: TSPEAR (thrombospondin type laminin G domain and EAR repeats; minus strand). Cytogenetic location: 21q22.3.
Variant type: single nucleotide variant.
Coding change: c.1856+13C>T on transcript NM_144991.3 (MANE Select); 13 bases into the intron after coding-DNA position 1856, C replaced by T.
Molecular consequence: intron variant.
Genome position (GRCh38, 1-based): chr21:44,504,767, G>A on the plus strand (C>T on the coding strand, the complement: TSPEAR is on the minus strand). VCF-style: chr21-44504767-G-A. GRCh37 (hg19) VCF-style: chr21-45924650-G-A.
Other names: c.1652+13C>T (NM_001272037.2).
Identifiers: ClinVar variation 228050 (VCV000228050.5), dbSNP rs781882860, ClinGen allele CA10056303.
Genomic context (GRCh38, chr21:44,504,767, plus strand): 5'-GGAGGCCGGCCTCGGTGAGCCCACAGTGGGGAAGCAAGGCTCTGGGAGGAGGCCGGCCTC[G>A]GCAGCTCATTACCTGTAAATAATACTGTTCACCGAGAAGGTACGCCCATCGAAGGAGTTG-3'

ClinVar aggregate classification (germline): Likely benign (1 of 4 stars; one submission).

Allele frequency attached by ClinVar (database versions not stated): TOPMed 0.00002; ExAC 0.00003; gnomAD 0.00003 and 0.00004.
gnomAD v4.1: 21 of 1,605,302 alleles (0.0013%); highest among the groups gnomAD compares: Middle Eastern, 0.016%; no homozygotes.

Submission:

Laboratory for Molecular Medicine, Mass General Brigham Personalized Medicine
Classification: Likely benign. Last evaluated: 2015-04-30. Review status: criteria provided, single submitter. Criteria: LMM Criteria. Collection method: clinical testing. Allele origin: germline. Observed: 1 variant allele.
Comment: c.1856+13C>T in intron 11 of TSPEAR: This variant is not expected to have clinic al significance because it does not cause the splice site sequence to diverge fr om consensus. It has been identified in 3/65604 European chromosomes by the Exom e Aggregation Consortium (ExAC).